The following is an entry in ClinVar:

NM_021930.6(RINT1):c.703A>G (p.Ile235Val)

Gene: RINT1 (RAD50 interactor 1; plus strand). Cytogenetic location: 7q22.3.
Variant type: single nucleotide variant.
Coding change: c.703A>G on transcript NM_021930.6 (MANE Select); coding-DNA position 703, A replaced by G.
Protein change: p.Ile235Val; replaces isoleucine 235 with valine.
Molecular consequence: missense variant. On other transcripts: 5 prime UTR variant (2), non-coding transcript variant (1), intron variant (1).
Genome position (GRCh38, 1-based): chr7:105,547,197, A>G. VCF-style: chr7-105547197-A-G. GRCh37 (hg19) VCF-style: chr7-105187644-A-G.
Other names: c.469A>G, p.Ile157Val (NM_001346599.2); c.-317A>G (NM_001346600.2); c.-220A>G (NM_001346601.2); c.-27-2858A>G (NM_001346603.2); short protein forms I157V, I235V.
Identifiers: ClinVar variation 3433586 (VCV003433586.1).

ClinVar aggregate classification (germline): Uncertain significance (1 of 4 stars; one submission).

Submission:

Ambry Genetics
Classification: Uncertain significance. Last evaluated: 2024-07-05. Review status: criteria provided, single submitter. Criteria: Ambry Variant Classification Scheme 2023. Collection method: clinical testing. Allele origin: germline.
Comment: The p.I235V variant (also known as c.703A>G), located in coding exon 6 of the RINT1 gene, results from an A to G substitution at nucleotide position 703. The isoleucine at codon 235 is replaced by valine, an amino acid with highly similar properties. This amino acid position is conserved. In addition, this alteration is predicted to be tolerated by in silico analysis. Based on the available evidence, the clinical significance of this variant remains unclear.